The following is an entry in ClinVar:

ClinVar aggregate classification (germline): Uncertain significance. Review status: criteria provided, multiple submitters, no conflicts (2 of 4 stars). 2 submissions from 2 submitters: Uncertain significance (2). Last evaluated 2023-07-01.

Allele frequency attached by ClinVar (database versions not stated): gnomAD exomes below 0.00001 and 0.00003; ExAC 0.00001; gnomAD 0.00001; 1000 Genomes Project 30x 0.00016; 1000 Genomes Project 0.00020.
gnomAD v4.1: 45 of 1,592,456 alleles (0.0028%); highest among the groups gnomAD compares: Non-Finnish European, 0.0038%; no homozygotes.

Submissions (2):

CeGaT Center for Human Genetics Tuebingen
Classification: Uncertain significance. Last evaluated: 2023-07-01. Review status: criteria provided, single submitter. Criteria: CeGaT Center For Human Genetics Tuebingen Variant Classification Criteria Version 2. Collection method: clinical testing. Allele origin: germline. Affected: yes. Observed: 1 variant allele.
Comment: TTN: PM2, BP4

Athena Diagnostics
Classification: Uncertain significance. Last evaluated: 2018-06-27. Review status: criteria provided, single submitter. Criteria: Athena Diagnostics Criteria. Collection method: clinical testing. Allele origin: germline.

NM_001267550.2(TTN):c.32096-5T>G

Gene: TTN (titin; minus strand). Cytogenetic location: 2q31.2.
Variant type: single nucleotide variant.
Coding change: c.32096-5T>G on transcript NM_001267550.2 (MANE Select); 5 bases into the intron before coding-DNA position 32096, T replaced by G.
Molecular consequence: intron variant.
Genome position (GRCh38, 1-based): chr2:178,688,783, A>C on the plus strand (T>G on the coding strand, the complement: TTN is on the minus strand). VCF-style: chr2-178688783-A-C. GRCh37 (hg19) VCF-style: chr2-179553510-A-C.
Other names: c.32096-5T>G (LRG_391t1); c.13283-46466T>G (NM_003319.4); c.13859-46466T>G (NM_133437.4); c.13658-46466T>G (NM_133432.3); c.28364-5T>G (NM_133378.4); c.31145-5T>G (NM_001256850.1).
Identifiers: ClinVar variation 586879 (VCV000586879.27), dbSNP rs551230637, ClinGen allele CA1998725.
Genomic context (GRCh38, chr2:178,688,783, plus strand): 5'-TTTTTCTTCAGCAACAAATCTCTTTTCTTCTACAACAGTTTTCTTAGAGACTTCAGCTTT[A>C]AGAAAGTGTTAAAGTTGAAGTTTAAAATCAAGAATTTTAACAATTCTCACTTTCTAGAAT-3'